The following is an entry in ClinVar:

ClinVar aggregate classification (germline): Uncertain significance. Review status: criteria provided, multiple submitters, no conflicts (2 of 4 stars). 2 submissions from 2 submitters: Uncertain significance (2). Last evaluated 2025-02-27.

Conditions:
Radioulnar synostosis with amegakaryocytic thrombocytopenia 2 (RUSAT2). Also called: RADIOULNAR SYNOSTOSIS AND AMEGAKARYOCYTIC THROMBOCYTOPENIA 2. Identifiers: Orphanet 71289, MedGen C4225221, MONDO:0014758, OMIM 616738.

Submissions (2):

Labcorp Genetics (formerly Invitae), Labcorp
Classification: Uncertain significance. Last evaluated: 2025-02-27. Review status: criteria provided, single submitter. Criteria: Invitae Variant Classification Sherloc (09022015). Collection method: clinical testing. Allele origin: germline.
Comment: This sequence change falls in intron 8 of the MECOM gene. It does not directly change the encoded amino acid sequence of the MECOM protein. It affects a nucleotide within the consensus splice site. This variant is not present in population databases (gnomAD no frequency). This variant has been observed in individual(s) with clinical features of MECOM-related conditions (PMID: 36658419). This variant is also known as c.2208+4A>T. ClinVar contains an entry for this variant (Variation ID: 1805733). Variants that disrupt the consensus splice site are a relatively common cause of aberrant splicing (PMID: 17576681, 9536098). Studies have shown that this variant is associated with inconclusive levels of altered splicing (PMID: 36658419). In summary, the available evidence is currently insufficient to determine the role of this variant in disease. Therefore, it has been classified as a Variant of Uncertain Significance.

Victorian Clinical Genetics Services, Murdoch Childrens Research Institute
Classification: Uncertain significance for Radioulnar synostosis with amegakaryocytic thrombocytopenia 2. Last evaluated: 2020-07-02. Review status: criteria provided, single submitter. Criteria: ACMG Guidelines, 2015. Collection method: clinical testing. Allele origin: germline. Inheritance: Autosomal dominant inheritance. Affected: yes.
Comment: Based on the classification scheme VCGS_Germline_v1.1.1, this variant is classified as 3B-VUS. Following criteria are met: 0102 - Loss-of-function is a likely mechanism of disease for this gene. Loss-of-function variants have been reported in patients with bone marrow failure without radioulnar synostosis (PMID: 29146883). (N) 0107 - This gene is known to be associated with autosomal dominant disease. (N) 0212 - Non-canonical splice variant located in intron 9, without proven consequence on splicing (no functional evidence available). (P) 0251 - Variant is heterozygous. (N) 0301 - Variant is absent from gnomAD. (P) 0508 - In silico predictions for abnormal splicing are conflicting. (N) 0705 - No comparable variants have previous evidence for pathogenicity. (N) 0807 - Variant has not previously been reported in a clinical context. (N) 0905 - No segregation evidence has been identified for this variant. (N) 1007 - No published functional evidence has been identified for this variant. (N) 1208 - Inheritance information for this variant is not currently available. (N) Legend: (P) - Pathogenic, (N) - Neutral, (B) - Benign

Literature cited by the submitters: PubMed 36658419 (cited by Labcorp Genetics (formerly Invitae), Labcorp); PubMed 17576681 (cited by Labcorp Genetics (formerly Invitae), Labcorp); PubMed 9536098 (cited by Labcorp Genetics (formerly Invitae), Labcorp); PubMed 29146883 (cited by Victorian Clinical Genetics Services, Murdoch Childrens Research Institute).

NM_004991.4(MECOM):c.2577+4A>T

Gene: MECOM (MDS1 and EVI1 complex locus; minus strand). Cytogenetic location: 3q26.2.
Variant type: single nucleotide variant.
Coding change: c.2577+4A>T on transcript NM_004991.4 (MANE Select); 4 bases into the intron after coding-DNA position 2577, A replaced by T.
Molecular consequence: intron variant.
Genome position (GRCh38, 1-based): chr3:169,112,783, T>A on the plus strand (A>T on the coding strand, the complement: MECOM is on the minus strand). VCF-style: chr3-169112783-T-A. GRCh37 (hg19) VCF-style: chr3-168830571-T-A.
Other names: c.2013+4A>T (NM_001205194.2, NM_001164000.2, NM_001366469.2 and 4 more transcripts); c.1605+4A>T (NM_001366473.2); c.2577+4A>T (NM_001366466.2); c.1041+4A>T (NM_001366474.2); c.2016+4A>T (NM_001366470.2, NM_001366467.2, NM_001366468.2 and 1 more transcripts); c.2208+4A>T (NM_001105077.4).
Identifiers: ClinVar variation 1805733 (VCV001805733.2), dbSNP rs2549379424, ClinGen allele CA915940555.